The following is an entry in ClinVar:

NM_015166.4(MLC1):c.983G>A (p.Arg328His)

Gene: MLC1 (modulator of VRAC current 1; minus strand). Cytogenetic location: 22q13.33.
Variant type: single nucleotide variant.
Coding change: c.983G>A on transcript NM_015166.4 (MANE Select); coding-DNA position 983, G replaced by A.
Protein change: p.Arg328His; replaces arginine 328 with histidine.
Molecular consequence: missense variant. On other transcripts: non-coding transcript variant (3).
Genome position (GRCh38, 1-based): chr22:50,064,110, C>T on the plus strand (G>A on the coding strand, the complement: MLC1 is on the minus strand). VCF-style: chr22-50064110-C-T. GRCh37 (hg19) VCF-style: chr22-50502539-C-T.
Other names: c.983G>A, p.Arg328His (NM_001376472.1, NM_001376473.1, NM_001376474.1 and 5 more transcripts); c.926G>A, p.Arg309His (NM_001376479.1); c.893G>A, p.Arg298His (NM_001376480.1); c.881G>A, p.Arg294His (NM_001376481.1); c.827G>A, p.Arg276His (NM_001376482.1, NM_001376483.1); c.746G>A, p.Arg249His (NM_001376484.1); short protein forms R328H, R249H, R276H, R294H, R298H, R309H.
Identifiers: ClinVar variation 555906 (VCV000555906.6), dbSNP rs145376667, ClinGen allele CA10303277.

ClinVar aggregate classification (germline): Uncertain significance. Review status: criteria provided, multiple submitters, no conflicts (2 of 4 stars). 4 submissions from 4 submitters: Uncertain significance (3). 1 of the submissions does not count toward it. Last evaluated 2024-12-27.

Conditions:
Megalencephalic leukoencephalopathy with subcortical cysts 1 (MLC1). Also called: VACUOLATING MEGALENCEPHALIC LEUKOENCEPHALOPATHY WITH SUBCORTICAL CYSTS; LEUKOENCEPHALOPATHY WITH SWELLING AND CYSTS. Identifiers: Orphanet 2478, MedGen C5779875, MONDO:0024555, OMIM 604004.
Inborn genetic diseases. Identifiers: MedGen C0950123, MeSH D030342.

Allele frequency attached by ClinVar (database versions not stated): gnomAD exomes 0.00002 and 0.00005; ExAC 0.00007; gnomAD 0.00022; TOPMed 0.00026; ESP Exome Variant Server 0.00031.
gnomAD v4.1: 63 of 1,608,612 alleles (0.0039%); highest among the groups gnomAD compares: African/African-American, 0.044%; no homozygotes.

Submissions (4):

Women's Health and Genetics/Laboratory Corporation of America, LabCorp
Classification: Uncertain significance. Last evaluated: 2024-12-27. Review status: criteria provided, single submitter. Criteria: LabCorp Variant Classification Summary - May 2015. Collection method: clinical testing. Allele origin: germline.
Comment: Variant summary: MLC1 c.983G>A (p.Arg328His) results in a non-conservative amino acid change in the encoded protein sequence. Three of four in-silico tools predict a benign effect of the variant on protein function. The variant allele was found at a frequency of 4.8e-05 in 248066 control chromosomes (gnomAD). This frequency is not significantly higher than estimated for a pathogenic variant in MLC1 causing Megalencephalic Leukoencephalopathy With Subcortical Cysts 1 (4.8e-05 vs 0.0011), allowing no conclusion about variant significance. c.983G>A has been reported in the literature in individuals affected with bipolar affective disorder (Verma_2005). The report does not provide unequivocal conclusions about association of the variant with Megalencephalic Leukoencephalopathy With Subcortical Cysts 1. To our knowledge, no experimental evidence demonstrating an impact on protein function has been reported. The following publication have been ascertained in the context of this evaluation (PMID: 15992519). ClinVar contains an entry for this variant (Variation ID: 555906). Based on the evidence outlined above, the variant was classified as uncertain significance.

Labcorp Genetics (formerly Invitae), Labcorp
Classification: Uncertain significance. Last evaluated: 2022-11-01. Review status: criteria provided, single submitter. Criteria: Invitae Variant Classification Sherloc (09022015). Collection method: clinical testing. Allele origin: germline.
Comment: This sequence change replaces arginine, which is basic and polar, with histidine, which is basic and polar, at codon 328 of the MLC1 protein (p.Arg328His). This variant is present in population databases (rs145376667, gnomAD 0.05%). This variant has not been reported in the literature in individuals affected with MLC1-related conditions. ClinVar contains an entry for this variant (Variation ID: 555906). Advanced modeling of protein sequence and biophysical properties (such as structural, functional, and spatial information, amino acid conservation, physicochemical variation, residue mobility, and thermodynamic stability) performed at Invitae indicates that this missense variant is not expected to disrupt MLC1 protein function. In summary, the available evidence is currently insufficient to determine the role of this variant in disease. Therefore, it has been classified as a Variant of Uncertain Significance.

Ambry Genetics
Classification: Uncertain significance for Inborn genetic diseases. Last evaluated: 2022-07-29. Review status: criteria provided, single submitter. Criteria: Ambry Variant Classification Scheme 2023. Collection method: clinical testing. Allele origin: germline.

Counsyl
Classification: Uncertain significance for Megalencephalic leukoencephalopathy with subcortical cysts 1. Last evaluated: 2018-01-02. Review status: no assertion criteria provided. Collection method: clinical testing. Allele origin: unknown. Not counted in ClinVar's aggregate classification.

Literature cited by the submitters: PubMed 15992519 (cited by Women's Health and Genetics/Laboratory Corporation of America, LabCorp and Counsyl).